The following is an entry in ClinVar:

NM_000535.7(PMS2):c.190G>T (p.Asp64Tyr)

Gene: PMS2 (PMS1 homolog 2, mismatch repair system component; minus strand). Cytogenetic location: 7p22.1.
Variant type: single nucleotide variant.
Coding change: c.190G>T on transcript NM_000535.7 (MANE Select); coding-DNA position 190, G replaced by T.
Protein change: p.Asp64Tyr; replaces aspartic acid 64 with tyrosine.
Molecular consequence: missense variant. On other transcripts: 5 prime UTR variant (44), non-coding transcript variant (1), intron variant (1).
Genome position (GRCh38, 1-based): chr7:6,004,032, C>A on the plus strand (G>T on the coding strand, the complement: PMS2 is on the minus strand). VCF-style: chr7-6004032-C-A. GRCh37 (hg19) VCF-style: chr7-6043663-C-A.
Other names: c.-216G>T (NM_001018040.1, NM_001322003.2, NM_001322004.2 and 14 more transcripts); c.190G>T, p.Asp64Tyr (NM_001322006.2, NM_001322014.2, NM_001406868.1 and 10 more transcripts); c.-26G>T (NM_001322007.2, NM_001322008.2, NM_001406876.1 and 4 more transcripts); c.-695G>T (NM_001322011.2, NM_001322012.2); c.-295G>T (NM_001322015.2, NM_001406875.1, NM_001406877.1 and 3 more transcripts); c.376G>T, p.Asp126Tyr (NM_001406866.1); c.-242G>T (NM_001406880.1); c.-192G>T (NM_001406881.1, NM_001406900.1); and 3 more; short protein forms D126Y, D64Y.
Identifiers: ClinVar variation 2677917 (VCV002677917.3), dbSNP rs1583410797, ClinGen allele CA366744884.
Genomic context (GRCh38, chr7:6,004,032, plus strand): 5'-TTAAGCCTTCGAAGTTTTCTTCTTCTACCCCACATCCATTGTCTGAAACTTCAATAAGAT[C>A]CACTCCATAGTCCTTAAGCTTTAGATCTAGAAAGTTTAAAATATTTACATATTTATTAAA-3'
Protein context (NP_000526.2, residues 54-74): IDLKLKDYGV[Asp64Tyr]LIEVSDNGCG

ClinVar aggregate classification (germline): Uncertain significance. Review status: criteria provided, multiple submitters, no conflicts (2 of 4 stars). 3 submissions from 3 submitters: Uncertain significance (3). Last evaluated 2025-06-02.

Conditions:
Hereditary cancer-predisposing syndrome. Also called: Neoplastic Syndromes, Hereditary; Tumor predisposition; Hereditary Cancer Syndrome; Hereditary neoplastic syndrome. Identifiers: Orphanet 140162, MedGen C0027672, MeSH D009386, MONDO:0015356.
Lynch syndrome 4 (LYNCH4). Also called: Hereditary non-polyposis colorectal cancer, type 4; Colorectal cancer, hereditary nonpolyposis, type 4. Identifiers: Orphanet 144, MedGen C1838333, MONDO:0013699, OMIM 614337. Disease mechanism: loss of function.

Submissions (3):

Ambry Genetics
Classification: Uncertain significance for Hereditary cancer-predisposing syndrome. Last evaluated: 2025-06-02. Review status: criteria provided, single submitter. Criteria: Ambry Variant Classification Scheme 2023. Collection method: clinical testing. Allele origin: germline.
Comment: The p.D64Y variant (also known as c.190G>T), located in coding exon 3 of the PMS2 gene, results from a G to T substitution at nucleotide position 190. The aspartic acid at codon 64 is replaced by tyrosine, an amino acid with highly dissimilar properties. This amino acid position is conserved. In addition, this alteration is predicted to be deleterious by in silico analysis. Based on the available evidence, the clinical significance of this variant remains unclear.

Women's Health and Genetics/Laboratory Corporation of America, LabCorp
Classification: Uncertain significance. Last evaluated: 2024-11-11. Review status: criteria provided, single submitter. Criteria: LabCorp Variant Classification Summary - May 2015. Collection method: clinical testing. Allele origin: germline.
Comment: Variant summary: PMS2 c.190G>T (p.Asp64Tyr) results in a non-conservative amino acid change located in the Histidine kinase-like ATPase domain of the encoded protein sequence. Five of five in-silico tools predict a damaging effect of the variant on protein function. The variant was absent in 250640 control chromosomes. The available data on variant occurrences in the general population are insufficient to allow any conclusion about variant significance. To our knowledge, no occurrence of c.190G>T in individuals affected with Lynch Syndrome and no experimental evidence demonstrating its impact on protein function have been reported. ClinVar contains an entry for this variant (Variation ID: 2677917). Based on the evidence outlined above, the variant was classified as uncertain significance.

Baylor Genetics
Classification: Uncertain significance for Lynch syndrome 4. Last evaluated: 2023-07-14. Review status: criteria provided, single submitter. Criteria: ACMG Guidelines, 2015. Collection method: clinical testing. Allele origin: unknown.